The following is an entry in ClinVar:

ClinVar aggregate classification (germline): Conflicting classifications of pathogenicity. Review status: criteria provided, conflicting classifications (1 of 4 stars). 2 submissions from 2 submitters: Uncertain significance (1); Likely benign (1). Last evaluated 2022-01-25.

Conditions:
Early-infantile DEE. Also called: Early infantile epileptic encephalopathy; Early infantile epileptic encephalopathy with suppression bursts; Ohtahara syndrome. Identifiers: Orphanet 1934, MedGen C0393706, MONDO:0800491.

gnomAD v4.1: 4 of 1,614,036 alleles (0.00025%); highest among the groups gnomAD compares: Middle Eastern, 0.016%; no homozygotes.

Submissions (2):

GeneDx
Classification: Likely benign. Last evaluated: 2022-01-25. Review status: criteria provided, single submitter. Criteria: GeneDx Variant Classification Process June 2021. Collection method: clinical testing. Allele origin: germline. Affected: yes.
Comment: Has not been previously published as pathogenic or benign to our knowledge; Not observed at significant frequency in large population cohorts (gnomAD); In silico analysis supports that this missense variant does not alter protein structure/function

Labcorp Genetics (formerly Invitae), Labcorp
Classification: Uncertain significance for Early-infantile DEE. Last evaluated: 2021-12-03. Review status: criteria provided, single submitter. Criteria: Invitae Variant Classification Sherloc (09022015). Collection method: clinical testing. Allele origin: germline.
Comment: This variant is not present in population databases (gnomAD no frequency). This variant has not been reported in the literature in individuals affected with GNAO1-related conditions. Advanced modeling of protein sequence and biophysical properties (such as structural, functional, and spatial information, amino acid conservation, physicochemical variation, residue mobility, and thermodynamic stability) performed at Invitae indicates that this missense variant is not expected to disrupt GNAO1 protein function. In summary, the available evidence is currently insufficient to determine the role of this variant in disease. Therefore, it has been classified as a Variant of Uncertain Significance. This sequence change replaces isoleucine, which is neutral and non-polar, with leucine, which is neutral and non-polar, at codon 78 of the GNAO1 protein (p.Ile78Leu).

NM_020988.3(GNAO1):c.232A>C (p.Ile78Leu)

Gene: GNAO1 (G protein subunit alpha o1; plus strand). Cytogenetic location: 16q13.
Variant type: single nucleotide variant.
Coding change: c.232A>C on transcript NM_020988.3 (MANE Select); coding-DNA position 232, A replaced by C.
Protein change: p.Ile78Leu; replaces isoleucine 78 with leucine.
Molecular consequence: missense variant.
Genome position (GRCh38, 1-based): chr16:56,276,001, A>C. VCF-style: chr16-56276001-A-C. GRCh37 (hg19) VCF-style: chr16-56309913-A-C.
Other names: c.232A>C, p.Ile78Leu (NM_138736.3); short protein forms I78L.
Identifiers: ClinVar variation 1338887 (VCV001338887.12), dbSNP rs1263683170, ClinGen allele CA396128114.
Genomic context (GRCh38, chr16:56,276,001, plus strand): 5'-GAAGATGGCTTCTCCGGAGAAGACGTGAAACAGTACAAGCCTGTTGTCTACAGCAACACT[A>C]TCCAGTCCCTGGCAGCCATCGTCCGGGCCATGGACACTTTGGGCATCGAATATGGTGATA-3'
Protein context (NP_066268.1, residues 68-88): QYKPVVYSNT[Ile78Leu]QSLAAIVRAM